The following is an entry in ClinVar:

NM_181882.3(PRX):c.1987C>T (p.Pro663Ser)

Gene: PRX (periaxin; minus strand). Cytogenetic location: 19q13.2.
Variant type: single nucleotide variant.
Coding change: c.1987C>T on transcript NM_181882.3 (MANE Select); coding-DNA position 1987, C replaced by T.
Protein change: p.Pro663Ser; replaces proline 663 with serine.
Molecular consequence: missense variant. On other transcripts: 3 prime UTR variant (1).
Genome position (GRCh38, 1-based): chr19:40,396,365, G>A on the plus strand (C>T on the coding strand, the complement: PRX is on the minus strand). VCF-style: chr19-40396365-G-A. GRCh37 (hg19) VCF-style: chr19-40902272-G-A.
Other names: c.*2192C>T (NM_020956.2); c.1987C>T (NM_181882.2); short protein forms P663S.
Identifiers: ClinVar variation 1001735 (VCV001001735.5), dbSNP rs149183991, ClinGen allele CA9444147.
Genomic context (GRCh38, chr19:40,396,365, plus strand): 5'-CCTCGGGGAGTCGAACCTCTGGCACAGCCATCTCAGGCATTTTAGGGAGTTTCATCTCTG[G>A]GACTTTCGGGAGCTGCACTTCCGGGAGGTGCACATCGGGCACAGCCATCTCGGGCACCTT-3'
Protein context (NP_870998.2, residues 653-673): HLPEVQLPKV[Pro663Ser]EMKLPKMPEM

ClinVar aggregate classification (germline): Conflicting classifications of pathogenicity. Review status: criteria provided, conflicting classifications (1 of 4 stars). 2 submissions from 2 submitters: Uncertain significance (1); Likely benign (1). Last evaluated 2024-08-26.

Conditions:
Charcot-Marie-Tooth disease type 4. Also called: Charcot-Marie-Tooth disease, type IV; Charcot-Marie-Tooth, Type 4. Identifiers: Orphanet 64749, MedGen C4082197, MONDO:0018995.
Inborn genetic diseases. Identifiers: MedGen C0950123, MeSH D030342.

Allele frequency attached by ClinVar (database versions not stated): gnomAD exomes 0.00004; ExAC 0.00006; gnomAD 0.00018 and 0.00020; ESP Exome Variant Server 0.00038.
gnomAD v4.1: 43 of 1,592,302 alleles (0.0027%); highest among the groups gnomAD compares: African/African-American, 0.06%; 1 homozygote.

Submissions (2):

Ambry Genetics
Classification: Likely benign for Inborn genetic diseases. Last evaluated: 2024-08-26. Review status: criteria provided, single submitter. Criteria: Ambry Variant Classification Scheme 2023. Collection method: clinical testing. Allele origin: germline.

Labcorp Genetics (formerly Invitae), Labcorp
Classification: Uncertain significance for Charcot-Marie-Tooth disease type 4. Last evaluated: 2022-08-16. Review status: criteria provided, single submitter. Criteria: Invitae Variant Classification Sherloc (09022015). Collection method: clinical testing. Allele origin: germline.
Comment: This sequence change replaces proline, which is neutral and non-polar, with serine, which is neutral and polar, at codon 663 of the PRX protein (p.Pro663Ser). This variant is present in population databases (rs149183991, gnomAD 0.06%). This variant has not been reported in the literature in individuals affected with PRX-related conditions. ClinVar contains an entry for this variant (Variation ID: 1001735). Algorithms developed to predict the effect of missense changes on protein structure and function output the following: SIFT: "Tolerated"; PolyPhen-2: "Possibly Damaging"; Align-GVGD: "Class C0". The serine amino acid residue is found in multiple mammalian species, which suggests that this missense change does not adversely affect protein function. In summary, the available evidence is currently insufficient to determine the role of this variant in disease. Therefore, it has been classified as a Variant of Uncertain Significance.